The following is an entry in ClinVar:

NM_012431.3(SEMA3E):c.1979G>C (p.Ser660Thr)

Gene: SEMA3E (semaphorin 3E; minus strand). Cytogenetic location: 7q21.11.
Variant type: single nucleotide variant.
Coding change: c.1979G>C on transcript NM_012431.3 (MANE Select); coding-DNA position 1979, G replaced by C.
Protein change: p.Ser660Thr; replaces serine 660 with threonine.
Molecular consequence: missense variant.
Genome position (GRCh38, 1-based): chr7:83,367,935, C>G on the plus strand (G>C on the coding strand, the complement: SEMA3E is on the minus strand). VCF-style: chr7-83367935-C-G. GRCh37 (hg19) VCF-style: chr7-82997251-C-G.
Other names: c.1799G>C, p.Ser600Thr (NM_001178129.2); short protein forms S600T, S660T.
Identifiers: ClinVar variation 4772663 (VCV004772663.1).

ClinVar aggregate classification (germline): Uncertain significance (1 of 4 stars; one submission).

Conditions:
CHARGE syndrome (CHARGE). Also called: Hittner Hirsch Kreh syndrome; CHARGE ASSOCIATION--COLOBOMA, HEART ANOMALY, CHOANAL ATRESIA, RETARDATION, GENITAL AND EAR ANOMALIES; Coloboma, heart anomaly, choanal atresia, retardation, genital and ear anomalies; CHARGE association; Hall-Hittner syndrome. Identifiers: Orphanet 138, MedGen C0265354, MONDO:0008965.

gnomAD v4.1: 2 of 1,612,814 alleles (0.00012%); highest among the groups gnomAD compares: Non-Finnish European, 0.00017%; no homozygotes.

Submission:

Labcorp Genetics (formerly Invitae), Labcorp
Classification: Uncertain significance for CHARGE syndrome. Last evaluated: 2025-12-22. Review status: criteria provided, single submitter. Criteria: Invitae Variant Classification Sherloc (09022015). Collection method: clinical testing. Allele origin: germline.
Comment: This sequence change replaces serine, which is neutral and polar, with threonine, which is neutral and polar, at codon 660 of the SEMA3E protein (p.Ser660Thr). This variant is not present in population databases (gnomAD no frequency). This variant has not been reported in the literature in individuals affected with SEMA3E-related conditions. Invitae Evidence Modeling of protein sequence and biophysical properties (such as structural, functional, and spatial information, amino acid conservation, physicochemical variation, residue mobility, and thermodynamic stability) indicates that this missense variant is not expected to disrupt SEMA3E protein function with a negative predictive value of 80%. In summary, the available evidence is currently insufficient to determine the role of this variant in disease. Therefore, it has been classified as a Variant of Uncertain Significance.